The following is an entry in ClinVar:

NM_001278116.2(L1CAM):c.1224C>G (p.Asn408Lys)

Gene: L1CAM (L1 cell adhesion molecule; minus strand). Cytogenetic location: Xq28.
Variant type: single nucleotide variant.
Coding change: c.1224C>G on transcript NM_001278116.2 (MANE Select); coding-DNA position 1224, C replaced by G.
Protein change: p.Asn408Lys; replaces asparagine 408 with lysine.
Molecular consequence: missense variant.
Genome position (GRCh38, 1-based): chrX:153,869,563, G>C on the plus strand (C>G on the coding strand, the complement: L1CAM is on the minus strand). VCF-style: chrX-153869563-G-C. GRCh37 (hg19) VCF-style: chrX-153135018-G-C.
Other names: c.1224C>G, p.Asn408Lys (NM_000425.5, NM_024003.3); c.1209C>G, p.Asn403Lys (NM_001143963.2); short protein forms N408K, N403K.
Identifiers: ClinVar variation 963932 (VCV000963932.11), dbSNP rs994675918, ClinGen allele CA337263136.
Genomic context (GRCh38, chrX:153,869,563, plus strand): 5'-GAAGGGAGGGCACTCACGGACAACGTAGATGTAGGCATTGGCCAGCAAGAGCCCGTGCCG[G>C]TTGCGGGCCTCACATTGGGTCACCATTGTGTCACTGGGCTGCACGTTGCTCAGGATCAGG-3'
Protein context (NP_001265045.1, residues 398-418): DTMVTQCEAR[Asn408Lys]RHGLLLANAY

ClinVar aggregate classification (germline): Uncertain significance. Review status: criteria provided, multiple submitters, no conflicts (2 of 4 stars). 2 submissions from 2 submitters: Uncertain significance (2). Last evaluated 2019-10-21.

Conditions:
MASA syndrome. Also called: ADDUCTED THUMB WITH MENTAL RETARDATION; SPASTIC PARAPLEGIA 1, X-LINKED; MASA (Mental Retardation, Adducted Thumbs, Shuffling Gait, Aphasia) Syndrome, Including SPG1 (X-Linked Complicated Hereditary Spastic Paraplegia Type 1); MASA Syndrome (Mental Retardation, Adducted Thumbs, Shuffling Gait, and Aphasia); CRASH syndrome; CLASPED THUMB AND MENTAL RETARDATION. Identifiers: Orphanet 2466, MedGen C0795953, MONDO:0010559, OMIM 303350.
X-linked hydrocephalus syndrome (HYCX). Also called: X-linked hydrocephalus; X-Linked Hydrocephalus with Stenosis of the Aqueduct of Sylvius (HSAS); X-Linked Hydrocephalus with Stenosis of the Aqueduct of Sylvius; AQUEDUCTAL STENOSIS, X-LINKED; HYDROCEPHALUS, CONGENITAL, X-LINKED. Identifiers: Orphanet 2182, MedGen C0265216, MONDO:0010611, OMIM 307000.
X-linked complicated corpus callosum dysgenesis. Also called: X-Linked Complicated Corpus Callosum Agenesis. Identifiers: Orphanet 1497, MedGen C1839909, MONDO:0010569, OMIM 304100.
Spastic paraplegia. Identifiers: MedGen C0037772, HP:0001258.

Submissions (2):

Labcorp Genetics (formerly Invitae), Labcorp
Classification: Uncertain significance for Spastic paraplegia. Last evaluated: 2019-10-21. Review status: criteria provided, single submitter. Criteria: Invitae Variant Classification Sherloc (09022015). Collection method: clinical testing. Allele origin: germline.
Comment: In summary, the available evidence is currently insufficient to determine the role of this variant in disease. Therefore, it has been classified as a Variant of Uncertain Significance. Algorithms developed to predict the effect of missense changes on protein structure and function (SIFT, PolyPhen-2, Align-GVGD) all suggest that this variant is likely to be disruptive, but these predictions have not been confirmed by published functional studies and their clinical significance is uncertain. This variant has not been reported in the literature in individuals with L1CAM-related conditions. This variant is not present in population databases (ExAC no frequency). This sequence change replaces asparagine with lysine at codon 408 of the L1CAM protein (p.Asn408Lys). The asparagine residue is highly conserved and there is a moderate physicochemical difference between asparagine and lysine.

Juno Genomics, Hangzhou Juno Genomics, Inc
Classification: Uncertain significance for X-linked complicated corpus callosum dysgenesis; X-linked hydrocephalus syndrome; MASA syndrome. Review status: criteria provided, single submitter. Criteria: ACMG Guidelines, 2015. Collection method: clinical testing. Allele origin: germline. Affected: yes.
Comment: Absent from controls (or at extremely low frequency if recessive) in Genome Aggregation Database, Exome Sequencing Project, 1000 Genomes Project, or Exome Aggregation Consortium.;Multiple lines of computational evidence support a deleterious effect on the gene or gene product (conservation, evolutionary, splicing impact, etc).